The following is an entry in ClinVar:

ClinVar aggregate classification (germline): Conflicting classifications of pathogenicity. Review status: criteria provided, conflicting classifications (1 of 4 stars). 4 submissions from 4 submitters: Uncertain significance (3); Likely benign (1). Last evaluated 2025-08-19.

Conditions:
Inborn genetic diseases. Identifiers: MedGen C0950123, MeSH D030342.
Cobblestone lissencephaly without muscular or ocular involvement. Also called: Lissencephaly 5; LEUKOENCEPHALOPATHY WITH VARIABLE CORTICAL BRAIN MALFORMATIONS AND/OR HYDROCEPHALUS. Identifiers: Orphanet 352682, MedGen C3554657, MONDO:0014077, OMIM 615191.

Allele frequency attached by ClinVar (database versions not stated): gnomAD exomes 0.00010 and 0.00016; gnomAD 0.00012 and 0.00013; ESP Exome Variant Server 0.00015; TOPMed 0.00011; ExAC 0.00016.
gnomAD v4.1: 178 of 1,614,096 alleles (0.011%); highest among the groups gnomAD compares: Middle Eastern, 0.16%; 1 homozygote.

Submissions (4):

Labcorp Genetics (formerly Invitae), Labcorp
Classification: Likely benign. Last evaluated: 2025-08-19. Review status: criteria provided, single submitter. Criteria: Invitae Variant Classification Sherloc (09022015). Collection method: clinical testing. Allele origin: germline.

Revvity Omics, Revvity
Classification: Uncertain significance for Cobblestone lissencephaly without muscular or ocular involvement. Last evaluated: 2021-04-19. Review status: criteria provided, single submitter. Criteria: ACMG Guidelines, 2015. Collection method: clinical testing. Allele origin: germline.

Ambry Genetics
Classification: Uncertain significance for Inborn genetic diseases. Last evaluated: 2020-11-20. Review status: criteria provided, single submitter. Criteria: Ambry Variant Classification Scheme 2023. Collection method: clinical testing. Allele origin: germline.

UNC Molecular Genetics  Laboratory, University of North Carolina at Chapel Hill
Classification: Uncertain significance for Lissencephaly 5. Review status: criteria provided, single submitter. Criteria: ACMG Guidelines, 2015. Collection method: research. Allele origin: germline. Observed: 1 variant allele. Study: CSER_NCGENES_2.
Comment: LAMB1 c.4277G>C [p.Gly1426Ala] is predicted to change a single amino acid. This variant has not been reported previously in the literature and is of uncertain clinical significance.

NM_002291.3(LAMB1):c.4277G>C (p.Gly1426Ala)

Gene: LAMB1 (laminin subunit beta 1; minus strand). Cytogenetic location: 7q31.1.
Variant type: single nucleotide variant.
Coding change: c.4277G>C on transcript NM_002291.3 (MANE Select); coding-DNA position 4277, G replaced by C.
Protein change: p.Gly1426Ala; replaces glycine 1426 with alanine.
Molecular consequence: missense variant.
Genome position (GRCh38, 1-based): chr7:107,932,289, C>G on the plus strand (G>C on the coding strand, the complement: LAMB1 is on the minus strand). VCF-style: chr7-107932289-C-G. GRCh37 (hg19) VCF-style: chr7-107572734-C-G.
Other names: c.4277G>C (NM_002291.2); short protein forms G1426A.
Identifiers: ClinVar variation 973338 (VCV000973338.9), dbSNP rs200107269, ClinGen allele CA4435083.